The following is an entry in ClinVar:

ClinVar aggregate classification (germline): Uncertain significance (1 of 4 stars; one submission).

gnomAD v4.1: 1 of 1,613,916 alleles (0.000062%); highest among the groups gnomAD compares: Non-Finnish European, 0.000085%; no homozygotes.

Submission:

CeGaT Center for Human Genetics Tuebingen
Classification: Uncertain significance. Last evaluated: 2022-07-01. Review status: criteria provided, single submitter. Criteria: CeGaT Center For Human Genetics Tuebingen Variant Classification Criteria Version 2. Collection method: clinical testing. Allele origin: germline. Affected: yes. Observed: 1 variant allele.
Comment: CTNNA3: PM2

NM_013266.4(CTNNA3):c.1903G>T (p.Asp635Tyr)

Genes: CTNNA3 (catenin alpha 3; minus strand), CTNNA3-AS1 (CTNNA3 antisense RNA 1; plus strand). Cytogenetic location: 10q21.3.
Variant type: single nucleotide variant.
Coding change: c.1903G>T on transcript NM_013266.4 (MANE Select); coding-DNA position 1903, G replaced by T.
Protein change: p.Asp635Tyr; replaces aspartic acid 635 with tyrosine.
Molecular consequence: missense variant.
Genome position (GRCh38, 1-based): chr10:66,103,231, C>A on the plus strand (G>T on the coding strand, the complement: CTNNA3 is on the minus strand). VCF-style: chr10-66103231-C-A. GRCh37 (hg19) VCF-style: chr10-67862989-C-A.
Other names: c.1903G>T, p.Asp635Tyr (NM_001127384.3); short protein forms D635Y.
Identifiers: ClinVar variation 2640514 (VCV002640514.24), dbSNP rs1180223980, ClinGen allele CA377090792.